The following is an entry in ClinVar:

NM_003200.5(TCF3):c.23C>T (p.Ala8Val)

Gene: TCF3 (transcription factor 3; minus strand). Cytogenetic location: 19p13.3.
Variant type: single nucleotide variant.
Coding change: c.23C>T on transcript NM_003200.5 (MANE Select); coding-DNA position 23, C replaced by T.
Protein change: p.Ala8Val; replaces alanine 8 with valine.
Molecular consequence: missense variant.
Genome position (GRCh38, 1-based): chr19:1,650,226, G>A on the plus strand (C>T on the coding strand, the complement: TCF3 is on the minus strand). VCF-style: chr19-1650226-G-A. GRCh37 (hg19) VCF-style: chr19-1650225-G-A.
Other names: c.23C>T, p.Ala8Val (NM_001136139.4, NM_001351778.2, NM_001351779.2); c.23C>T (NM_003200.3); short protein forms A8V.
Identifiers: ClinVar variation 811326 (VCV000811326.18), dbSNP rs376780559, ClinGen allele CA9050613.

ClinVar aggregate classification (germline): Conflicting classifications of pathogenicity. Review status: criteria provided, conflicting classifications (1 of 4 stars). 6 submissions from 6 submitters: Uncertain significance (4); Likely benign (1). 1 of the submissions does not count toward it. Last evaluated 2026-01-22.

Conditions:
Agammaglobulinemia 8b, autosomal recessive. Also called: AGAMMAGLOBULINEMIA, AUTOSOMAL RECESSIVE, DUE TO TCF3 DEFECT. Identifiers: MedGen C5676958, MONDO:0859234, OMIM 619824.
Agammaglobulinemia 8, autosomal dominant (AGM8A). Also called: AGAMMAGLOBULINEMIA, AUTOSOMAL DOMINANT, DUE TO TCF3 DEFECT; AGAMMAGLOBULINEMIA 8A, AUTOSOMAL DOMINANT. Identifiers: MedGen C4310786, MONDO:0014840, OMIM 616941.
TCF3-related disorder. Also called: TCF3-related condition.

Allele frequency attached by ClinVar (database versions not stated): gnomAD 0.00008 and 0.00009; gnomAD exomes 0.00008 and 0.00009; TOPMed 0.00012; ESP Exome Variant Server 0.00016; ExAC 0.00018.
gnomAD v4.1: 151 of 1,569,478 alleles (0.0096%); highest among the groups gnomAD compares: Middle Eastern, 0.43%; 2 homozygotes.

Submissions (6):

Labcorp Genetics (formerly Invitae), Labcorp
Classification: Uncertain significance. Last evaluated: 2026-01-22. Review status: criteria provided, single submitter. Criteria: Invitae Variant Classification Sherloc (09022015). Collection method: clinical testing. Allele origin: germline.
Comment: This sequence change replaces alanine, which is neutral and non-polar, with valine, which is neutral and non-polar, at codon 8 of the TCF3 protein (p.Ala8Val). The frequency data for this variant in the population databases is considered unreliable, as metrics indicate poor data quality at this position in the gnomAD database. This variant has not been reported in the literature in individuals affected with TCF3-related conditions. ClinVar contains an entry for this variant (Variation ID: 811326). Invitae Evidence Modeling of protein sequence and biophysical properties (such as structural, functional, and spatial information, amino acid conservation, physicochemical variation, residue mobility, and thermodynamic stability) indicates that this missense variant is expected to disrupt TCF3 protein function with a positive predictive value of 80%. In summary, the available evidence is currently insufficient to determine the role of this variant in disease. Therefore, it has been classified as a Variant of Uncertain Significance.

Blueprint Genetics
Classification: Likely benign. Last evaluated: 2024-11-05. Review status: criteria provided, single submitter. Criteria: ACMG Guidelines, 2015. Collection method: clinical testing. Allele origin: germline.

Department of Pathology and Laboratory Medicine, Sinai Health System
Classification: Uncertain significance for Agammaglobulinemia 8, autosomal dominant; Agammaglobulinemia 8b, autosomal recessive. Last evaluated: 2022-04-20. Review status: criteria provided, single submitter. Criteria: ACMG Guidelines, 2015. Collection method: research. Allele origin: germline.

ARUP Laboratories, Molecular Genetics and Genomics, ARUP Laboratories
Classification: Uncertain significance for Agammaglobulinemia 8, autosomal dominant. Last evaluated: 2019-03-11. Review status: criteria provided, single submitter. Criteria: ARUP Molecular Germline Variant Investigation Process. Collection method: clinical testing. Allele origin: germline.
Comment: The p.Ala8Val variant (rs376780559) has not been reported in the medical literature, gene specific variation databases, nor has it been previously identified by our laboratory. This variant is listed in the Genome Aggregation Database (gnomAD) with an overall population frequency of 0.01 percent in the European Non-Finnish (identified on 11 out of 91,746 chromosomes). The alanine at position 8 is moderately conserved and computational analyses of the effects of the p.Ala8Val variant on protein structure and function is deleterious (SIFT: damaging, PolyPhen-2: possibly damaging). Altogether, there is not enough evidence to classify the p.Ala8Val variant with certainty.

Breakthrough Genomics
Classification: Uncertain significance. Review status: criteria provided, single submitter. Criteria: ACMG Guidelines, 2015. Collection method: not provided. Allele origin: germline. Inheritance: Autosomal recessive inheritance. Affected: yes.

PreventionGenetics, part of Exact Sciences
Classification: Uncertain significance for TCF3-related condition. Last evaluated: 2024-02-27. Review status: no assertion criteria provided. Collection method: clinical testing. Allele origin: germline. Not counted in ClinVar's aggregate classification.
Comment: The TCF3 c.23C>T variant is predicted to result in the amino acid substitution p.Ala8Val. This variant was reported in the heterozygous state in an individual with E47 transcription factor deficiency (Taskin et al. 2023. PubMed ID: 38154455). This variant is reported in 0.012% of alleles in individuals of European (Non-Finnish) descent in gnomAD. At this time, the clinical significance of this variant is uncertain due to the absence of conclusive functional and genetic evidence.